The following is an entry in ClinVar:

NM_000264.5(PTCH1):c.873del (p.Gly290_Tyr291insTer)

Gene: PTCH1 (patched 1; minus strand). Cytogenetic location: 9q22.32.
Variant type: Deletion.
Coding change: c.873del on transcript NM_000264.5 (MANE Select); coding-DNA position 873, one base deleted (C; older notation c.873delC).
Protein change: p.Gly290_Tyr291insTer.
Molecular consequence: nonsense. On other transcripts: non-coding transcript variant (1).
Genome position (GRCh38, 1-based): chr9:95,480,462, G deleted on the plus strand (C on the coding strand, the reverse complement: PTCH1 is on the minus strand). VCF-style (leftmost placement, unchanged base first): chr9-95480461-TG-T. GRCh37 (hg19) VCF-style: chr9-98242743-TG-T.
Other names: c.675del, p.Gly224_Tyr225insTer (NM_001083602.3); c.870del, p.Gly289_Tyr290insTer (NM_001083603.3); c.420del, p.Gly139_Tyr140insTer (NM_001083604.3, NM_001083605.3, NM_001083606.3 and 1 more transcripts); c.873del, p.Gly290_Tyr291insTer (NM_001354918.2).
Identifiers: ClinVar variation 566404 (VCV000566404.10), dbSNP rs1564055612, ClinGen allele CA891843144.

ClinVar aggregate classification (germline): Pathogenic. Review status: criteria provided, multiple submitters, no conflicts (2 of 4 stars). 2 submissions from 2 submitters: Pathogenic (2). Last evaluated 2025-05-01.

Conditions:
Hereditary cancer-predisposing syndrome. Also called: Neoplastic Syndromes, Hereditary; Tumor predisposition; Hereditary Cancer Syndrome; Hereditary neoplastic syndrome. Identifiers: Orphanet 140162, MedGen C0027672, MeSH D009386, MONDO:0015356.
Gorlin syndrome. Also called: Nevoid Basal Cell Carcinoma Syndrome; Basal cell nevus syndrome. Identifiers: Orphanet 377, MedGen C0004779, MONDO:0007187.

Submissions (2):

Ambry Genetics
Classification: Pathogenic for Hereditary cancer-predisposing syndrome. Last evaluated: 2025-05-01. Review status: criteria provided, single submitter. Criteria: Ambry Variant Classification Scheme 2023. Collection method: clinical testing. Allele origin: germline.
Comment: The c.873delC pathogenic mutation, located in coding exon 6 of the PTCH1 gene, results from a deletion of one nucleotide at nucleotide position 873, causing a translational frameshift with a predicted alternate stop codon (p.Y291*). This variant was reported in individual(s) with features consistent with PTCH1-related nevoid basal cell carcinoma syndrome (Ambry internal data). This variant is considered to be rare based on population cohorts in the Genome Aggregation Database (gnomAD). This alteration is expected to result in loss of function by premature protein truncation or nonsense-mediated mRNA decay. As such, this alteration is interpreted as a disease-causing mutation.

Labcorp Genetics (formerly Invitae), Labcorp
Classification: Pathogenic for Gorlin syndrome. Last evaluated: 2018-03-13. Review status: criteria provided, single submitter. Criteria: Invitae Variant Classification Sherloc (09022015). Collection method: clinical testing. Allele origin: germline.
Comment: Loss-of-function variants in PTCH1 are known to be pathogenic (PMID: 16301862, 16419085). For these reasons, this variant has been classified as Pathogenic. A different variant (c.873C>G) giving rise to the same protein effect observed here (p.Tyr291*) has been reported in an individual affected with basal cell nevus syndrome (PMID: 24204797), indicating that this residue may be critical for protein function. This sequence change creates a premature translational stop signal (p.Tyr291*) in the PTCH1 gene. It is expected to result in an absent or disrupted protein product. This variant is not present in population databases (ExAC no frequency). This variant has not been reported in the literature in individuals with PTCH1-related disease.

Literature cited by the submitters: PubMed 16301862 (cited by Labcorp Genetics (formerly Invitae), Labcorp); PubMed 16419085 (cited by Labcorp Genetics (formerly Invitae), Labcorp); PubMed 24204797 (cited by Labcorp Genetics (formerly Invitae), Labcorp).